The following is an entry in ClinVar:

ClinVar aggregate classification (germline): Uncertain significance (1 of 4 stars; one submission).

Conditions:
Inflammatory skin and bowel disease, neonatal, 1. Identifiers: Orphanet 294023, MedGen C3280501, MONDO:0013693, OMIM 614328.

Allele frequency attached by ClinVar (database versions not stated): gnomAD exomes below 0.00001; TOPMed below 0.00001.
gnomAD v4.1: 1 of 1,599,642 alleles (0.000063%); highest among the groups gnomAD compares: Non-Finnish European, 0.000085%; no homozygotes.

Submission:

Labcorp Genetics (formerly Invitae), Labcorp
Classification: Uncertain significance for Inflammatory skin and bowel disease, neonatal, 1. Last evaluated: 2019-10-01. Review status: criteria provided, single submitter. Criteria: Invitae Variant Classification Sherloc (09022015). Collection method: clinical testing. Allele origin: germline.
Comment: In summary, the available evidence is currently insufficient to determine the role of this variant in disease. Therefore, it has been classified as a Variant of Uncertain Significance. Algorithms developed to predict the effect of missense changes on protein structure and function (SIFT, PolyPhen-2, Align-GVGD) all suggest that this variant is likely to be tolerated, but these predictions have not been confirmed by published functional studies and their clinical significance is uncertain. This variant has not been reported in the literature in individuals with ADAM17-related conditions. This variant is not present in population databases (ExAC no frequency). This sequence change replaces proline with alanine at codon 372 of the ADAM17 protein (p.Pro372Ala). The alanine residue is moderately conserved and there is a small physicochemical difference between proline and alanine.

NM_003183.6(ADAM17):c.1114C>G (p.Pro372Ala)

Gene: ADAM17 (ADAM metallopeptidase domain 17; minus strand). Cytogenetic location: 2p25.1.
Variant type: single nucleotide variant.
Coding change: c.1114C>G on transcript NM_003183.6 (MANE Select); coding-DNA position 1114, C replaced by G.
Protein change: p.Pro372Ala; replaces proline 372 with alanine.
Molecular consequence: missense variant.
Genome position (GRCh38, 1-based): chr2:9,517,978, G>C on the plus strand (C>G on the coding strand, the complement: ADAM17 is on the minus strand). VCF-style: chr2-9517978-G-C. GRCh37 (hg19) VCF-style: chr2-9658107-G-C.
Other names: c.454C>G, p.Pro152Ala (NM_001382777.1); c.217C>G, p.Pro73Ala (NM_001382778.1); short protein forms P372A, P73A, P152A.
Identifiers: ClinVar variation 956810 (VCV000956810.8), dbSNP rs1226429049, ClinGen allele CA345779982.